The following is an entry in ClinVar:

NM_004370.6(COL12A1):c.7976G>C (p.Ser2659Thr)

Gene: COL12A1 (collagen type XII alpha 1 chain; minus strand). Cytogenetic location: 6q13.
Variant type: single nucleotide variant.
Coding change: c.7976G>C on transcript NM_004370.6 (MANE Select); coding-DNA position 7976, G replaced by C.
Protein change: p.Ser2659Thr; replaces serine 2659 with threonine.
Molecular consequence: missense variant.
Genome position (GRCh38, 1-based): chr6:75,109,142, C>G on the plus strand (G>C on the coding strand, the complement: COL12A1 is on the minus strand). VCF-style: chr6-75109142-C-G. GRCh37 (hg19) VCF-style: chr6-75818858-C-G.
Other names: c.4484G>C, p.Ser1495Thr (NM_080645.3); c.7976G>C (NM_004370.5); short protein forms S1495T, S2659T.
Identifiers: ClinVar variation 1390798 (VCV001390798.7), dbSNP rs773855825, ClinGen allele CA3892399.

ClinVar aggregate classification (germline): Uncertain significance. Review status: criteria provided, multiple submitters, no conflicts (2 of 4 stars). 2 submissions from 2 submitters: Uncertain significance (2). Last evaluated 2024-10-28.

Conditions:
Inborn genetic diseases. Identifiers: MedGen C0950123, MeSH D030342.
Ullrich congenital muscular dystrophy 2 (UCMD2). Identifiers: Orphanet 75840, MedGen C4225314, MONDO:0014654, OMIM 616470.
Bethlem myopathy 2 (BTHLM2). Identifiers: Orphanet 536516, Orphanet 610, MedGen C4225313, MONDO:0034022, OMIM 616471.

Allele frequency attached by ClinVar (database versions not stated): ExAC 0.00001; gnomAD exomes 0.00001; gnomAD 0.00003 and 0.00004.
gnomAD v4.1: 26 of 1,596,910 alleles (0.0016%); highest among the groups gnomAD compares: Non-Finnish European, 0.002%; no homozygotes.

Submissions (2):

Ambry Genetics
Classification: Uncertain significance for Inborn genetic diseases. Last evaluated: 2024-10-28. Review status: criteria provided, single submitter. Criteria: Ambry Variant Classification Scheme 2023. Collection method: clinical testing. Allele origin: germline.

Labcorp Genetics (formerly Invitae), Labcorp
Classification: Uncertain significance for Bethlem myopathy 2; Ullrich congenital muscular dystrophy 2. Last evaluated: 2024-04-25. Review status: criteria provided, single submitter. Criteria: Invitae Variant Classification Sherloc (09022015). Collection method: clinical testing. Allele origin: germline.
Comment: This sequence change replaces serine, which is neutral and polar, with threonine, which is neutral and polar, at codon 2659 of the COL12A1 protein (p.Ser2659Thr). This variant is present in population databases (rs773855825, gnomAD 0.002%). This variant has not been reported in the literature in individuals affected with COL12A1-related conditions. ClinVar contains an entry for this variant (Variation ID: 1390798). Advanced modeling of protein sequence and biophysical properties (such as structural, functional, and spatial information, amino acid conservation, physicochemical variation, residue mobility, and thermodynamic stability) performed at Invitae indicates that this missense variant is not expected to disrupt COL12A1 protein function with a negative predictive value of 80%. In summary, the available evidence is currently insufficient to determine the role of this variant in disease. Therefore, it has been classified as a Variant of Uncertain Significance.